The following is an entry in ClinVar:

NM_001289125.3(IFNAR2):c.389T>C (p.Ile130Thr)

Genes: IFNAR2 (interferon alpha and beta receptor subunit 2; plus strand), IFNAR2-IL10RB (IFNAR2-IL10RB readthrough; plus strand). Cytogenetic location: 21q22.11.
Variant type: single nucleotide variant.
Coding change: c.389T>C on transcript NM_001289125.3 (MANE Select); coding-DNA position 389, T replaced by C.
Protein change: p.Ile130Thr; replaces isoleucine 130 with threonine.
Molecular consequence: missense variant.
Genome position (GRCh38, 1-based): chr21:33,246,885, T>C. VCF-style: chr21-33246885-T-C. GRCh37 (hg19) VCF-style: chr21-34619190-T-C.
Other names: c.389T>C, p.Ile130Thr (NM_001414505.1, NM_000874.5, NM_001289126.2 and 5 more transcripts); short protein forms I130T.
Identifiers: ClinVar variation 1954649 (VCV001954649.2), dbSNP rs1341724911, ClinGen allele CA410097841.
Genomic context (GRCh38, chr21:33,246,885, plus strand): 5'-TAGAAGGATTCAGCGGGAACACAACGTTGTTCAGTTGCTCACACAATTTCTGGCTGGCCA[T>C]AGACAGTGAGTTTTATCTCTGTTTCTCCACTTCGTCCCCATCATCAAGATCTTTATTATT-3'
Protein context (NP_001276054.1, residues 120-140): FSCSHNFWLA[Ile130Thr]DMSFEPPEFE

ClinVar aggregate classification (germline): Uncertain significance (1 of 4 stars; one submission).

Allele frequency attached by ClinVar (database versions not stated): gnomAD exomes below 0.00001; gnomAD 0.00001; TOPMed 0.00001.
gnomAD v4.1: 2 of 1,612,824 alleles (0.00012%); highest among the groups gnomAD compares: Admixed American, 0.0033%; no homozygotes.

Submission:

Labcorp Genetics (formerly Invitae), Labcorp
Classification: Uncertain significance. Last evaluated: 2022-07-19. Review status: criteria provided, single submitter. Criteria: Invitae Variant Classification Sherloc (09022015). Collection method: clinical testing. Allele origin: germline.
Comment: This sequence change replaces isoleucine, which is neutral and non-polar, with threonine, which is neutral and polar, at codon 130 of the IFNAR2 protein (p.Ile130Thr). This variant is present in population databases (no rsID available, gnomAD 0.003%). This variant has not been reported in the literature in individuals affected with IFNAR2-related conditions. Algorithms developed to predict the effect of missense changes on protein structure and function output the following: SIFT: "Tolerated"; PolyPhen-2: "Benign"; Align-GVGD: "Class C0". The threonine amino acid residue is found in multiple mammalian species, which suggests that this missense change does not adversely affect protein function. In summary, the available evidence is currently insufficient to determine the role of this variant in disease. Therefore, it has been classified as a Variant of Uncertain Significance.